The following is an entry in ClinVar:

ClinVar aggregate classification (germline): Likely benign (0 of 4 stars; one submission).

Conditions:
SEMA3B-related disorder. Also called: SEMA3B-related condition.

Allele frequency attached by ClinVar (database versions not stated): gnomAD 0.00001; gnomAD exomes 0.00001; ExAC 0.00003; 1000 Genomes Project 30x 0.00016; 1000 Genomes Project 0.00020; TOPMed 0.00003.

Submission:

PreventionGenetics, part of Exact Sciences
Classification: Likely benign for SEMA3B-related condition. Last evaluated: 2022-06-30. Review status: no assertion criteria provided. Collection method: clinical testing. Allele origin: germline.
Comment: This variant is classified as likely benign based on ACMG/AMP sequence variant interpretation guidelines (Richards et al. 2015 PMID: 25741868, with internal and published modifications).

NM_001290060.2(SEMA3B):c.945G>A (p.Ser315=)

Gene: SEMA3B (semaphorin 3B; plus strand). Cytogenetic location: 3p21.31.
Variant type: single nucleotide variant.
Coding change: c.945G>A on transcript NM_001290060.2 (MANE Select); coding-DNA position 945, G replaced by A.
Protein change: p.Ser315=; no amino-acid change (serine 315 retained).
Molecular consequence: synonymous variant. On other transcripts: 5 prime UTR variant (2).
Genome position (GRCh38, 1-based): chr3:50,273,781, G>A. VCF-style: chr3-50273781-G-A. GRCh37 (hg19) VCF-style: chr3-50311212-G-A.
Other names: c.945G>A, p.Ser315= (NM_001005914.3, NM_004636.4); c.960G>A, p.Ser320= (NM_001290061.1); c.-82G>A (NM_001290062.2); c.-85G>A (NM_001290063.2).
Identifiers: ClinVar variation 3031120 (VCV003031120.2), dbSNP rs587725209, ClinGen allele CA2413911.